The following is an entry in ClinVar:

NM_000143.4(FH):c.366G>A (p.Lys122=)

Gene: FH (fumarate hydratase; minus strand). Cytogenetic location: 1q43.
Variant type: single nucleotide variant.
Coding change: c.366G>A on transcript NM_000143.4 (MANE Select); coding-DNA position 366, G replaced by A.
Protein change: p.Lys122=; no amino-acid change (lysine 122 retained).
Molecular consequence: synonymous variant.
Genome position (GRCh38, 1-based): chr1:241,513,615, C>T on the plus strand (G>A on the coding strand, the complement: FH is on the minus strand). VCF-style: chr1-241513615-C-T. GRCh37 (hg19) VCF-style: chr1-241676915-C-T.
Identifiers: ClinVar variation 824051 (VCV000824051.14), dbSNP rs1573886379, ClinGen allele CA424076429.
Genomic context (GRCh38, chr1:241,513,615, plus strand): 5'-ATGGCATGGGTCTGAGGTTATTAAGCAAACACACTTATCACCTCCTACCTCATCTGCTGC[C>T]TTCATTATTGCATTAGCAATCTTTGGATCAAGACCATAATCCTGGTTTACTTCAGCGGCC-3'
Protein context (NP_000134.2, residues 112-132): LDPKIANAIM[Lys122=]AADEVAEGKL

ClinVar aggregate classification (germline): Benign/Likely benign. Review status: criteria provided, multiple submitters, no conflicts (2 of 4 stars). 3 submissions from 3 submitters: Benign (1); Likely benign (2). Last evaluated 2025-11-09.

Conditions:
Hereditary cancer-predisposing syndrome. Also called: Neoplastic Syndromes, Hereditary; Tumor predisposition; Hereditary Cancer Syndrome; Hereditary neoplastic syndrome. Identifiers: Orphanet 140162, MedGen C0027672, MeSH D009386, MONDO:0015356.
Hereditary leiomyomatosis and renal cell cancer. Also called: FH tumor predisposition syndrome; LEIOMYOMA, MULTIPLE CUTANEOUS; MULTIPLE CUTANEOUS AND UTERINE LEIOMYOMATA 1, WITH OR WITHOUT RENAL CELL CARCINOMA; Reed syndrome; Multiple cutaneous and uterine leiomyomatosis; Cutaneous leiomyomata with uterine leiomyomata. Identifiers: Orphanet 523, MedGen C1708350, MONDO:0007888, OMIM 150800, HP:0007437. Disease mechanism: loss of function.

Submissions (3):

Labcorp Genetics (formerly Invitae), Labcorp
Classification: Likely benign. Last evaluated: 2025-11-09. Review status: criteria provided, single submitter. Criteria: Invitae Variant Classification Sherloc (09022015). Collection method: clinical testing. Allele origin: germline.

Myriad Genetics, Inc.
Classification: Benign for Hereditary leiomyomatosis and renal cell cancer. Last evaluated: 2024-10-17. Review status: criteria provided, single submitter. Criteria: Myriad Autosomal Dominant, Autosomal Recessive and X-Linked Classification Criteria (2023). Collection method: clinical testing. Allele origin: unknown.
Comment: This variant is considered benign. This variant is a silent/synonymous amino acid change and it is not expected to impact splicing.

Ambry Genetics
Classification: Likely benign for Hereditary cancer-predisposing syndrome. Last evaluated: 2019-11-13. Review status: criteria provided, single submitter. Criteria: Ambry Variant Classification Scheme 2023. Collection method: clinical testing. Allele origin: germline.